The following is an entry in ClinVar:

NM_001364905.1(LRBA):c.305G>T (p.Cys102Phe)

Gene: LRBA (LPS responsive beige-like anchor protein; minus strand). Cytogenetic location: 4q31.3.
Variant type: single nucleotide variant.
Coding change: c.305G>T on transcript NM_001364905.1 (MANE Select); coding-DNA position 305, G replaced by T.
Protein change: p.Cys102Phe; replaces cysteine 102 with phenylalanine.
Molecular consequence: missense variant.
Genome position (GRCh38, 1-based): chr4:150,928,977, C>A on the plus strand (G>T on the coding strand, the complement: LRBA is on the minus strand). VCF-style: chr4-150928977-C-A. GRCh37 (hg19) VCF-style: chr4-151850129-C-A.
Other names: c.305G>T, p.Cys102Phe (NM_001199282.3, NM_001367550.1, NM_006726.5); short protein forms C102F.
Identifiers: ClinVar variation 2147163 (VCV002147163.1), dbSNP rs1454709766, ClinGen allele CA358439502.

ClinVar aggregate classification (germline): Uncertain significance (1 of 4 stars; one submission).

Conditions:
Combined immunodeficiency due to LRBA deficiency. Also called: Common variable immunodeficiency 8, with autoimmunity. Identifiers: Orphanet 445018, MedGen C3553512, MONDO:0013863, OMIM 614700.

Allele frequency attached by ClinVar (database versions not stated): gnomAD exomes 0.00001; gnomAD 0.00002.
gnomAD v4.1: 9 of 1,613,772 alleles (0.00056%); highest among the groups gnomAD compares: Admixed American, 0.015%; no homozygotes.

Submission:

Labcorp Genetics (formerly Invitae), Labcorp
Classification: Uncertain significance for Combined immunodeficiency due to LRBA deficiency. Last evaluated: 2022-06-25. Review status: criteria provided, single submitter. Criteria: Invitae Variant Classification Sherloc (09022015). Collection method: clinical testing. Allele origin: germline.
Comment: This sequence change replaces cysteine, which is neutral and slightly polar, with phenylalanine, which is neutral and non-polar, at codon 102 of the LRBA protein (p.Cys102Phe). This variant is present in population databases (no rsID available, gnomAD 0.01%). This variant has not been reported in the literature in individuals affected with LRBA-related conditions. Algorithms developed to predict the effect of missense changes on protein structure and function are either unavailable or do not agree on the potential impact of this missense change (SIFT: "Tolerated"; PolyPhen-2: "Probably Damaging"; Align-GVGD: "Class C0"). In summary, the available evidence is currently insufficient to determine the role of this variant in disease. Therefore, it has been classified as a Variant of Uncertain Significance.